The following is an entry in ClinVar:

ClinVar aggregate classification (germline): Likely pathogenic (1 of 4 stars; one submission).

Conditions:
Glycine encephalopathy. Also called: Non-ketotic hyperglycinemia; Nonketotic hyperglycinemia. Identifiers: Orphanet 407, MedGen C0751748, MONDO:0011612, HP:0008288.

Submission:

Myriad Genetics, Inc.
Classification: Likely pathogenic for Glycine encephalopathy 1. Last evaluated: 2022-01-23. Review status: criteria provided, single submitter. Criteria: Myriad Women's Health Autosomal Recessive and X-Linked Classification Criteria (2021). Collection method: clinical testing. Allele origin: unknown.
Comment: NM_000170.2(GLDC):c.74delG(G25Dfs*66) is expected to be pathogenic in the context of glycine encephalopathy, GLDC-related. This variant is predicted to lead to an abnormal or absent protein product due to the creation of a premature termination codon in GLDC, a gene where loss-of-function variants are known to be pathogenic. Please note: this variant was assessed in the context of healthy population screening.

NM_000170.3(GLDC):c.74del (p.Gly25fs)

Gene: GLDC (glycine decarboxylase; minus strand). Cytogenetic location: 9p24.1.
Variant type: Deletion.
Coding change: c.74del on transcript NM_000170.3 (MANE Select); coding-DNA position 74, one base deleted (G; older notation c.74delG).
Protein change: p.Gly25fs; shifts the reading frame from glycine 25.
Molecular consequence: frameshift variant.
Genome position (GRCh38, 1-based): chr9:6,645,426, C deleted on the plus strand (G on the coding strand, the reverse complement: GLDC is on the minus strand); the first of 5 consecutive C bases (chr9:6,645,426-6,645,430); deleting any one gives the same sequence. VCF-style (leftmost placement, unchanged base first): chr9-6645425-TC-T. GRCh37 (hg19) VCF-style: chr9-6645425-TC-T.
Other names: short protein forms G25fs.
Identifiers: ClinVar variation 1724024 (VCV001724024.2), dbSNP rs1383111309, ClinGen allele CA586157574.